The following is an entry in ClinVar:

ClinVar aggregate classification (germline): Uncertain significance (1 of 4 stars; one submission).

Allele frequency attached by ClinVar (database versions not stated): gnomAD exomes 0.00002.
gnomAD v4.1: 14 of 1,613,694 alleles (0.00087%); highest among the groups gnomAD compares: Non-Finnish European, 0.0012%; no homozygotes.

Submission:

Labcorp Genetics (formerly Invitae), Labcorp
Classification: Uncertain significance. Last evaluated: 2022-04-06. Review status: criteria provided, single submitter. Criteria: Invitae Variant Classification Sherloc (09022015). Collection method: clinical testing. Allele origin: germline.
Comment: This variant is not present in population databases (gnomAD no frequency). This sequence change replaces aspartic acid, which is acidic and polar, with valine, which is neutral and non-polar, at codon 1392 of the FRAS1 protein (p.Asp1392Val). This variant has not been reported in the literature in individuals affected with FRAS1-related conditions. In summary, the available evidence is currently insufficient to determine the role of this variant in disease. Therefore, it has been classified as a Variant of Uncertain Significance. Algorithms developed to predict the effect of missense changes on protein structure and function are either unavailable or do not agree on the potential impact of this missense change (SIFT: "Deleterious"; PolyPhen-2: "Benign"; Align-GVGD: "Class C0").

NM_025074.7(FRAS1):c.4175A>T (p.Asp1392Val)

Gene: FRAS1 (Fraser extracellular matrix complex subunit 1; plus strand). Cytogenetic location: 4q21.21.
Variant type: single nucleotide variant.
Coding change: c.4175A>T on transcript NM_025074.7 (MANE Select); coding-DNA position 4175, A replaced by T.
Protein change: p.Asp1392Val; replaces aspartic acid 1392 with valine.
Molecular consequence: missense variant.
Genome position (GRCh38, 1-based): chr4:78,407,708, A>T. VCF-style: chr4-78407708-A-T. GRCh37 (hg19) VCF-style: chr4-79328862-A-T.
Other names: c.4175A>T, p.Asp1392Val (NM_001166133.2); short protein forms D1392V.
Identifiers: ClinVar variation 2102340 (VCV002102340.4), dbSNP rs2477052802, ClinGen allele CA357377966.